The following is an entry in ClinVar:

NM_002206.3(ITGA7):c.287T>G (p.Leu96Trp)

Gene: ITGA7 (integrin subunit alpha 7; minus strand). Cytogenetic location: 12q13.2.
Variant type: single nucleotide variant.
Coding change: c.287T>G on transcript NM_002206.3 (MANE Select); coding-DNA position 287, T replaced by G.
Protein change: p.Leu96Trp; replaces leucine 96 with tryptophan.
Molecular consequence: missense variant. On other transcripts: 5 prime UTR variant (3), intron variant (1).
Genome position (GRCh38, 1-based): chr12:55,703,098, A>C on the plus strand (T>G on the coding strand, the complement: ITGA7 is on the minus strand). VCF-style: chr12-55703098-A-C. GRCh37 (hg19) VCF-style: chr12-56096882-A-C.
Other names: c.287T>G, p.Leu96Trp (NM_001144996.2, NM_001374465.1, NM_001410977.1 and 6 more transcripts); c.-53T>G (NM_001367993.1, NM_001414035.1); c.-886T>G (NM_001367994.1); c.86-1682T>G (NM_001144997.2); c.287T>G (NM_002206.2); short protein forms L96W.
Identifiers: ClinVar variation 284994 (VCV000284994.10), dbSNP rs886042999, ClinGen allele CA10604975.

ClinVar aggregate classification (germline): Uncertain significance. Review status: criteria provided, multiple submitters, no conflicts (2 of 4 stars). 3 submissions from 3 submitters: Uncertain significance (3). Last evaluated 2025-04-13.

Conditions:
Congenital muscular dystrophy due to integrin alpha-7 deficiency. Also called: Congenital muscular dystrophy with integrin alpha-7 deficiency; Muscular dystrophy, congenital, due to ITGA7 deficiency; MYOPATHY, CONGENITAL, DUE TO INTEGRIN ALPHA-7 DEFICIENCY. Identifiers: Orphanet 34520, MedGen C2750786, MONDO:0013177, OMIM 613204.

Allele frequency attached by ClinVar (database versions not stated): gnomAD exomes below 0.00001; gnomAD 0.00003 and 0.00004; TOPMed 0.00005.
gnomAD v4.1: 6 of 1,613,978 alleles (0.00037%); highest among the groups gnomAD compares: Admixed American, 0.0083%; no homozygotes.

Submissions (3):

Ambry Genetics
Classification: Uncertain significance. Last evaluated: 2025-04-13. Review status: criteria provided, single submitter. Criteria: Ambry Variant Classification Scheme 2023. Collection method: clinical testing. Allele origin: germline.

Labcorp Genetics (formerly Invitae), Labcorp
Classification: Uncertain significance for Congenital muscular dystrophy due to integrin alpha-7 deficiency. Last evaluated: 2022-06-24. Review status: criteria provided, single submitter. Criteria: Invitae Variant Classification Sherloc (09022015). Collection method: clinical testing. Allele origin: germline.
Comment: In summary, the available evidence is currently insufficient to determine the role of this variant in disease. Therefore, it has been classified as a Variant of Uncertain Significance. Algorithms developed to predict the effect of missense changes on protein structure and function are either unavailable or do not agree on the potential impact of this missense change (SIFT: "Deleterious"; PolyPhen-2: "Probably Damaging"; Align-GVGD: "Class C0"). ClinVar contains an entry for this variant (Variation ID: 284994). This variant has not been reported in the literature in individuals affected with ITGA7-related conditions. This variant is not present in population databases (gnomAD no frequency). This sequence change replaces leucine, which is neutral and non-polar, with tryptophan, which is neutral and slightly polar, at codon 96 of the ITGA7 protein (p.Leu96Trp).

Eurofins Ntd Llc (ga)
Classification: Uncertain significance. Last evaluated: 2015-12-11. Review status: criteria provided, single submitter. Criteria: EGL Classification Definitions 2015. Collection method: clinical testing. Allele origin: germline. Observed: 1 variant allele, 1 heterozygote.